The following is an entry in ClinVar:

NM_001384125.1(BLTP1):c.13989G>A (p.Lys4663=)

Gene: BLTP1 (bridge-like lipid transfer protein family member 1; plus strand). Cytogenetic location: 4q27.
Variant type: single nucleotide variant.
Coding change: c.13989G>A on transcript NM_001384125.1 (MANE Select); coding-DNA position 13989, G replaced by A.
Protein change: p.Lys4663=; no amino-acid change (lysine 4663 retained).
Molecular consequence: synonymous variant.
Genome position (GRCh38, 1-based): chr4:122,349,950, G>A. VCF-style: chr4-122349950-G-A. GRCh37 (hg19) VCF-style: chr4-123271105-G-A.
Other names: c.13725G>A, p.Lys4575= (NM_015312.4).
Identifiers: ClinVar variation 3054209 (VCV003054209.2), dbSNP rs370830344, ClinGen allele CA3068268.

ClinVar aggregate classification (germline): Likely benign (0 of 4 stars; one submission).

Conditions:
BLTP1-related disorder. Also called: BLTP1-related condition.

Allele frequency attached by ClinVar (database versions not stated): ExAC 0.00011; TOPMed 0.00020; gnomAD 0.00023; gnomAD exomes 0.00030; ESP Exome Variant Server 0.00042.
gnomAD v4.1: 464 of 1,613,736 alleles (0.029%); highest among the groups gnomAD compares: Non-Finnish European, 0.038%; no homozygotes.

Submission:

PreventionGenetics, part of Exact Sciences
Classification: Likely benign for BLTP1-related condition. Last evaluated: 2023-02-04. Review status: no assertion criteria provided. Collection method: clinical testing. Allele origin: germline.
Comment: This variant is classified as likely benign based on ACMG/AMP sequence variant interpretation guidelines (Richards et al. 2015 PMID: 25741868, with internal and published modifications).